The following is an entry in ClinVar:

NM_000079.4(CHRNA1):c.1189G>A (p.Glu397Lys)

Gene: CHRNA1 (cholinergic receptor nicotinic alpha 1 subunit; minus strand). Cytogenetic location: 2q31.1.
Variant type: single nucleotide variant.
Coding change: c.1189G>A on transcript NM_000079.4 (MANE Select); coding-DNA position 1189, G replaced by A.
Protein change: p.Glu397Lys; replaces glutamic acid 397 with lysine.
Molecular consequence: missense variant.
Genome position (GRCh38, 1-based): chr2:174,748,633, C>T on the plus strand (G>A on the coding strand, the complement: CHRNA1 is on the minus strand). VCF-style: chr2-174748633-C-T. GRCh37 (hg19) VCF-style: chr2-175613361-C-T.
Other names: c.1264G>A, p.Glu422Lys (NM_001039523.3); short protein forms E397K, E422K.
Identifiers: ClinVar variation 1804381 (VCV001804381.5), dbSNP rs747162643, ClinGen allele CA1974348.

ClinVar aggregate classification (germline): Uncertain significance. Review status: criteria provided, multiple submitters, no conflicts (2 of 4 stars). 3 submissions from 3 submitters: Uncertain significance (3). Last evaluated 2024-10-07.

Conditions:
Lethal multiple pterygium syndrome (LMPS). Identifiers: Orphanet 33108, MedGen C1854678, MONDO:0009668, OMIM 253290.
Myasthenic syndrome, congenital, 1A, slow-channel. Also called: CMS IIa; MYASTHENIC SYNDROME, CONGENITAL, TYPE IIa; Congenital myasthenic syndrome 1A. Identifiers: MedGen C2931107, MONDO:0011088, OMIM 601462.

Allele frequency attached by ClinVar (database versions not stated): TOPMed 0.00017; ExAC 0.00001; gnomAD exomes below 0.00001.

Submissions (3):

Labcorp Genetics (formerly Invitae), Labcorp
Classification: Uncertain significance for Lethal multiple pterygium syndrome. Last evaluated: 2024-10-07. Review status: criteria provided, single submitter. Criteria: Invitae Variant Classification Sherloc (09022015). Collection method: clinical testing. Allele origin: germline.
Comment: This sequence change replaces glutamic acid, which is acidic and polar, with lysine, which is basic and polar, at codon 397 of the CHRNA1 protein (p.Glu397Lys). This variant is present in population databases (rs747162643, gnomAD 0.0009%). This variant has not been reported in the literature in individuals affected with CHRNA1-related conditions. ClinVar contains an entry for this variant (Variation ID: 1804381). Invitae Evidence Modeling of protein sequence and biophysical properties (such as structural, functional, and spatial information, amino acid conservation, physicochemical variation, residue mobility, and thermodynamic stability) indicates that this missense variant is not expected to disrupt CHRNA1 protein function with a negative predictive value of 80%. In summary, the available evidence is currently insufficient to determine the role of this variant in disease. Therefore, it has been classified as a Variant of Uncertain Significance.

GeneDx
Classification: Uncertain significance. Last evaluated: 2022-06-16. Review status: criteria provided, single submitter. Criteria: GeneDx Variant Classification Process June 2021. Collection method: clinical testing. Allele origin: germline. Affected: yes.
Comment: In silico analysis supports that this missense variant has a deleterious effect on protein structure/function; Has not been previously published as pathogenic or benign to our knowledge

Department of Pathology and Laboratory Medicine, Sinai Health System
Classification: Uncertain significance for congenital myasthenic syndrome 1A. Last evaluated: 2022-04-20. Review status: criteria provided, single submitter. Criteria: ACMG Guidelines, 2015. Collection method: research. Allele origin: germline.